The following is an entry in ClinVar:

NM_001142864.4(PIEZO1):c.3815G>C (p.Arg1272Thr)

Gene: PIEZO1 (piezo type mechanosensitive ion channel component 1 (Er blood group); minus strand). Cytogenetic location: 16q24.3.
Variant type: single nucleotide variant.
Coding change: c.3815G>C on transcript NM_001142864.4 (MANE Select); coding-DNA position 3815, G replaced by C.
Protein change: p.Arg1272Thr; replaces arginine 1272 with threonine.
Molecular consequence: missense variant.
Genome position (GRCh38, 1-based): chr16:88,726,437, C>G on the plus strand (G>C on the coding strand, the complement: PIEZO1 is on the minus strand). VCF-style: chr16-88726437-C-G. GRCh37 (hg19) VCF-style: chr16-88792845-C-G.
Other names: c.2357G>C, p.Arg786Thr (NM_014745.1); short protein forms R1272T, R786T.
Identifiers: ClinVar variation 2631953 (VCV002631953.3), dbSNP rs760508379, ClinGen allele CA397102503.

ClinVar aggregate classification (germline): Uncertain significance. Review status: criteria provided, multiple submitters, no conflicts (2 of 4 stars). 2 submissions from 2 submitters: Uncertain significance (2). Last evaluated 2026-05-05.

Conditions:
PIEZO1-related disorder. Also called: PIEZO1-related condition; PIEZO1-Related Disorders.

Allele frequency attached by ClinVar (database versions not stated): gnomAD 0.00005; TOPMed 0.00004.
gnomAD v4.1: 82 of 1,550,242 alleles (0.0053%); highest among the groups gnomAD compares: Non-Finnish European, 0.0069%; no homozygotes.

Submissions (2):

PreventionGenetics, part of Exact Sciences
Classification: Uncertain significance for PIEZO1-related condition. Last evaluated: 2026-05-05. Review status: criteria provided, single submitter. Criteria: ACMG Guidelines, 2015. Collection method: clinical testing. Allele origin: germline.
Comment: The PIEZO1 c.3815G>C variant is predicted to result in the amino acid substitution p.Arg1272Thr. To our knowledge, this variant has not been reported in the literature. This variant is reported in 0.012% of alleles in individuals of European (Non-Finnish) descent in gnomAD. At this time, the clinical significance of this variant is uncertain due to the absence of conclusive functional and genetic evidence.

Revvity Omics, Revvity
Classification: Uncertain significance. Last evaluated: 2023-08-23. Review status: criteria provided, single submitter. Criteria: ACMG Guidelines, 2015. Collection method: clinical testing. Allele origin: germline.